The following is an entry in ClinVar:

NM_176869.3(PPA2):c.881A>G (p.Gln294Arg)

Gene: PPA2 (inorganic pyrophosphatase 2; minus strand). Cytogenetic location: 4q24.
Variant type: single nucleotide variant.
Coding change: c.881A>G on transcript NM_176869.3 (MANE Select); coding-DNA position 881, A replaced by G.
Protein change: p.Gln294Arg; replaces glutamine 294 with arginine.
Molecular consequence: missense variant.
Genome position (GRCh38, 1-based): chr4:105,386,625, T>C on the plus strand (A>G on the coding strand, the complement: PPA2 is on the minus strand). VCF-style: chr4-105386625-T-C. GRCh37 (hg19) VCF-style: chr4-106307782-T-C.
Other names: c.794A>G, p.Gln265Arg (NM_006903.4); c.575A>G, p.Gln192Arg (NM_176866.2); c.383A>G, p.Gln128Arg (NM_176867.3); short protein forms Q294R, Q192R, Q128R, Q265R.
Identifiers: ClinVar variation 1941542 (VCV001941542.5), dbSNP rs1057517678, ClinGen allele CA357788955.
Genomic context (GRCh38, chr4:105,386,625, plus strand): 5'-ACCGATTCAACTAATGATCTTGCTTCCTCTTGAGTGCAACGGAAAGGGCTATCAGATATC[T>C]GCACGTTTGTGCTGGAGAGGAAAAGAGAATGTTATTATTAAACAGGATAAAAAGAAACAA-3'
Protein context (NP_789845.1, residues 284-304): NGGAINCTNV[Gln294Arg]ISDSPFRCTQ

ClinVar aggregate classification (germline): Uncertain significance (1 of 4 stars; one submission).

Submission:

Labcorp Genetics (formerly Invitae), Labcorp
Classification: Uncertain significance. Last evaluated: 2022-01-17. Review status: criteria provided, single submitter. Criteria: Invitae Variant Classification Sherloc (09022015). Collection method: clinical testing. Allele origin: germline.
Comment: In summary, the available evidence is currently insufficient to determine the role of this variant in disease. Therefore, it has been classified as a Variant of Uncertain Significance. This variant disrupts the p.Gln294 amino acid residue in PPA2. Other variant(s) that disrupt this residue have been determined to be pathogenic (PMID: 27523598). This suggests that this residue is clinically significant, and that variants that disrupt this residue are likely to be disease-causing. Algorithms developed to predict the effect of missense changes on protein structure and function (SIFT, PolyPhen-2, Align-GVGD) all suggest that this variant is likely to be tolerated. This variant has not been reported in the literature in individuals affected with PPA2-related conditions. This variant is not present in population databases (gnomAD no frequency). This sequence change replaces glutamine, which is neutral and polar, with arginine, which is basic and polar, at codon 294 of the PPA2 protein (p.Gln294Arg).

Literature cited by the submitters: PubMed 27523598.